The following is an entry in ClinVar:

ClinVar aggregate classification (germline): Uncertain significance (1 of 4 stars; one submission).

Conditions:
Inborn genetic diseases. Identifiers: MedGen C0950123, MeSH D030342.

Submission:

Ambry Genetics
Classification: Uncertain significance for Inborn genetic diseases. Last evaluated: 2025-12-21. Review status: criteria provided, single submitter. Criteria: Ambry Variant Classification Scheme 2023. Collection method: clinical testing. Allele origin: germline.
Comment: The p.D457E variant (also known as c.1371C>G), located in coding exon 12 of the ASXL1 gene, results from a C to G substitution at nucleotide position 1371. The aspartic acid at codon 457 is replaced by glutamic acid, an amino acid with highly similar properties. This amino acid position is conserved. In addition, this alteration is predicted to be tolerated by in silico analysis. Based on the available evidence, the clinical significance of this variant remains unclear.

NM_015338.6(ASXL1):c.1371C>G (p.Asp457Glu)

Gene: ASXL1 (ASXL transcriptional regulator 1; plus strand). Cytogenetic location: 20q11.21.
Variant type: single nucleotide variant.
Coding change: c.1371C>G on transcript NM_015338.6 (MANE Select); coding-DNA position 1371, C replaced by G.
Protein change: p.Asp457Glu; replaces aspartic acid 457 with glutamic acid.
Molecular consequence: missense variant.
Genome position (GRCh38, 1-based): chr20:32,433,569, C>G. VCF-style: chr20-32433569-C-G. GRCh37 (hg19) VCF-style: chr20-31021372-C-G.
Other names: c.1188C>G, p.Asp396Glu (NM_001363734.1); short protein forms D396E, D457E.
Identifiers: ClinVar variation 4843644 (VCV004843644.1).